The following is an entry in ClinVar:

NM_001024630.4(RUNX2):c.767G>C (p.Ser256Thr)

Gene: RUNX2 (RUNX family transcription factor 2; plus strand). Cytogenetic location: 6p21.1.
Variant type: single nucleotide variant.
Coding change: c.767G>C on transcript NM_001024630.4 (MANE Select); coding-DNA position 767, G replaced by C.
Protein change: p.Ser256Thr; replaces serine 256 with threonine.
Molecular consequence: missense variant.
Genome position (GRCh38, 1-based): chr6:45,492,022, G>C. VCF-style: chr6-45492022-G-C. GRCh37 (hg19) VCF-style: chr6-45459759-G-C.
Other names: c.767G>C, p.Ser256Thr (NM_001015051.4); c.725G>C, p.Ser242Thr (NM_001278478.2, NM_001369405.1); short protein forms S256T, S242T.
Identifiers: ClinVar variation 4693931 (VCV004693931.1).

ClinVar aggregate classification (germline): Uncertain significance (1 of 4 stars; one submission).

gnomAD v4.1: 22 of 1,613,938 alleles (0.0014%); highest among the groups gnomAD compares: Middle Eastern, 0.23%; no homozygotes.

Submission:

Labcorp Genetics (formerly Invitae), Labcorp
Classification: Uncertain significance. Last evaluated: 2026-02-01. Review status: criteria provided, single submitter. Criteria: Invitae Variant Classification Sherloc (09022015). Collection method: clinical testing. Allele origin: germline.
Comment: This sequence change replaces serine, which is neutral and polar, with threonine, which is neutral and polar, at codon 256 of the RUNX2 protein (p.Ser256Thr). This variant is present in population databases (no rsID available, gnomAD 0.003%). This variant has not been reported in the literature in individuals affected with RUNX2-related conditions. Invitae Evidence Modeling of protein sequence and biophysical properties (such as structural, functional, and spatial information, amino acid conservation, physicochemical variation, residue mobility, and thermodynamic stability) indicates that this missense variant is not expected to disrupt RUNX2 protein function with a negative predictive value of 80%. In summary, the available evidence is currently insufficient to determine the role of this variant in disease. Therefore, it has been classified as a Variant of Uncertain Significance.